The following is an entry in ClinVar:

NM_002887.4(RARS1):c.9A>G (p.Val3=)

Gene: RARS1 (arginyl-tRNA synthetase 1; plus strand). Cytogenetic location: 5q34.
Variant type: single nucleotide variant.
Coding change: c.9A>G on transcript NM_002887.4 (MANE Select); coding-DNA position 9, A replaced by G.
Protein change: p.Val3=; no amino-acid change (valine 3 retained).
Molecular consequence: synonymous variant.
Genome position (GRCh38, 1-based): chr5:168,486,507, A>G. VCF-style: chr5-168486507-A-G. GRCh37 (hg19) VCF-style: chr5-167913512-A-G.
Identifiers: ClinVar variation 386712 (VCV000386712.2), dbSNP rs1057522584, ClinGen allele CA16604752.

ClinVar aggregate classification (germline): Likely benign. Review status: criteria provided, multiple submitters, no conflicts (2 of 4 stars). 2 submissions from 2 submitters: Likely benign (2). Last evaluated 2025-03-24.

Allele frequency attached by ClinVar (database versions not stated): gnomAD 0.00001; gnomAD exomes 0.00001; TOPMed 0.00002.
gnomAD v4.1: 22 of 1,558,816 alleles (0.0014%); highest among the groups gnomAD compares: Non-Finnish European, 0.0018%; no homozygotes.

Submissions (2):

Labcorp Genetics (formerly Invitae), Labcorp
Classification: Likely benign. Last evaluated: 2025-03-24. Review status: criteria provided, single submitter. Criteria: Invitae Variant Classification Sherloc (09022015). Collection method: clinical testing. Allele origin: germline.

GeneDx
Classification: Likely benign. Last evaluated: 2016-06-25. Review status: criteria provided, single submitter. Criteria: GeneDx Variant Classification (06012015). Collection method: clinical testing. Allele origin: germline. Affected: yes.
Comment: This variant is considered likely benign or benign based on one or more of the following criteria: it is a conservative change, it occurs at a poorly conserved position in the protein, it is predicted to be benign by multiple in silico algorithms, and/or has population frequency not consistent with disease.